The following is an entry in ClinVar:

ClinVar aggregate classification (germline): Uncertain significance (1 of 4 stars; one submission).

Conditions:
Emery-Dreifuss muscular dystrophy 5, autosomal dominant (EDMD5). Also called: EMERY-DREIFUSS MUSCULAR DYSTROPHY 5. Identifiers: Orphanet 261, MedGen C2751805, MONDO:0013072, OMIM 612999.

Allele frequency attached by ClinVar (database versions not stated): gnomAD exomes 0.00002 and 0.00006; TOPMed 0.00003; gnomAD 0.00005; ExAC 0.00007; ESP Exome Variant Server 0.00008.
gnomAD v4.1: 48 of 1,614,028 alleles (0.003%); highest among the groups gnomAD compares: Middle Eastern, 0.066%; no homozygotes.

Submission:

Labcorp Genetics (formerly Invitae), Labcorp
Classification: Uncertain significance for Emery-Dreifuss muscular dystrophy 5, autosomal dominant. Last evaluated: 2023-07-10. Review status: criteria provided, single submitter. Criteria: Invitae Variant Classification Sherloc (09022015). Collection method: clinical testing. Allele origin: germline.
Comment: In summary, the available evidence is currently insufficient to determine the role of this variant in disease. Therefore, it has been classified as a Variant of Uncertain Significance. An algorithm developed to predict the effect of missense changes on protein structure and function (PolyPhen-2) suggests that this variant is likely to be disruptive. ClinVar contains an entry for this variant (Variation ID: 1450162). This variant has not been reported in the literature in individuals affected with SYNE2-related conditions. This variant is present in population databases (rs374108464, gnomAD 0.01%). This sequence change replaces glutamine, which is neutral and polar, with glutamic acid, which is acidic and polar, at codon 4334 of the SYNE2 protein (p.Gln4334Glu).

NM_182914.3(SYNE2):c.13000C>G (p.Gln4334Glu)

Gene: SYNE2 (spectrin repeat containing nuclear envelope protein 2; plus strand). Cytogenetic location: 14q23.2.
Variant type: single nucleotide variant.
Coding change: c.13000C>G on transcript NM_182914.3 (MANE Select); coding-DNA position 13000, C replaced by G.
Protein change: p.Gln4334Glu; replaces glutamine 4334 with glutamic acid.
Molecular consequence: missense variant.
Genome position (GRCh38, 1-based): chr14:64,119,586, C>G. VCF-style: chr14-64119586-C-G. GRCh37 (hg19) VCF-style: chr14-64586304-C-G.
Other names: c.13000C>G, p.Gln4334Glu (NM_015180.6); short protein forms Q4334E.
Identifiers: ClinVar variation 1450162 (VCV001450162.8), dbSNP rs374108464, ClinGen allele CA7222300.
Genomic context (GRCh38, chr14:64,119,586, plus strand): 5'-GCGCTTTCCCTGAAACTGAAAACAGTGAAGTGCAATTTAGAAAAAGTCCAGATGATGCTT[C>G]AGGAGAAGCACAGTGAAGATCAGGTAAAAAATGACTATCTATGGACATTCATCTTGATAC-3'
Protein context (NP_878918.2, residues 4324-4344): CNLEKVQMML[Gln4334Glu]EKHSEDQHPT